The following is an entry in ClinVar:

ClinVar aggregate classification (germline): Uncertain significance (1 of 4 stars; one submission).

Conditions:
Hereditary sensory and autonomic neuropathy type 7. Also called: Neuropathy, hereditary sensory and autonomic, type VII; HSAN VII. Identifiers: Orphanet 391397, MedGen C3809882, MONDO:0014244, OMIM 615548.
Familial episodic pain syndrome with predominantly lower limb involvement. Also called: Episodic pain syndrome, familial, 3. Identifiers: Orphanet 391384, Orphanet 391392, MedGen C3809899, MONDO:0014247, OMIM 615552.

Submission:

Labcorp Genetics (formerly Invitae), Labcorp
Classification: Uncertain significance for Familial episodic pain syndrome with predominantly lower limb involvement; Hereditary sensory and autonomic neuropathy type 7. Last evaluated: 2021-03-14. Review status: criteria provided, single submitter. Criteria: Invitae Variant Classification Sherloc (09022015). Collection method: clinical testing. Allele origin: germline.
Comment: This sequence change replaces aspartic acid with valine at codon 1530 of the SCN11A protein (p.Asp1530Val). The aspartic acid residue is highly conserved and there is a large physicochemical difference between aspartic acid and valine. This variant is not present in population databases (ExAC no frequency). This variant has not been reported in the literature in individuals with SCN11A-related conditions. Algorithms developed to predict the effect of missense changes on protein structure and function (SIFT, PolyPhen-2, Align-GVGD) all suggest that this variant is likely to be disruptive, but these predictions have not been confirmed by published functional studies and their clinical significance is uncertain. In summary, the available evidence is currently insufficient to determine the role of this variant in disease. Therefore, it has been classified as a Variant of Uncertain Significance.

NM_001349253.2(SCN11A):c.4589A>T (p.Asp1530Val)

Gene: SCN11A (sodium voltage-gated channel alpha subunit 11; minus strand). Cytogenetic location: 3p22.2.
Variant type: single nucleotide variant.
Coding change: c.4589A>T on transcript NM_001349253.2 (MANE Select); coding-DNA position 4589, A replaced by T.
Protein change: p.Asp1530Val; replaces aspartic acid 1530 with valine.
Molecular consequence: missense variant.
Genome position (GRCh38, 1-based): chr3:38,847,481, T>A on the plus strand (A>T on the coding strand, the complement: SCN11A is on the minus strand). VCF-style: chr3-38847481-T-A. GRCh37 (hg19) VCF-style: chr3-38888972-T-A.
Other names: c.4589A>T, p.Asp1530Val (NM_014139.3); short protein forms D1530V.
Identifiers: ClinVar variation 1414405 (VCV001414405.8), dbSNP rs1367484622, ClinGen allele CA352163299.